The following is an entry in ClinVar:

ClinVar aggregate classification (germline): Uncertain significance (1 of 4 stars; one submission).

Allele frequency attached by ClinVar (database versions not stated): gnomAD exomes below 0.00001.
gnomAD v4.1: 2 of 1,614,094 alleles (0.00012%); highest among the groups gnomAD compares: Non-Finnish European, 0.00017%; no homozygotes.

Submission:

Labcorp Genetics (formerly Invitae), Labcorp
Classification: Uncertain significance. Last evaluated: 2024-10-21. Review status: criteria provided, single submitter. Criteria: Invitae Variant Classification Sherloc (09022015). Collection method: clinical testing. Allele origin: germline.
Comment: This sequence change replaces serine, which is neutral and polar, with glycine, which is neutral and non-polar, at codon 1780 of the RP1 protein (p.Ser1780Gly). This variant is not present in population databases (gnomAD no frequency). This variant has not been reported in the literature in individuals affected with RP1-related conditions. ClinVar contains an entry for this variant (Variation ID: 2062810). An algorithm developed to predict the effect of missense changes on protein structure and function outputs the following: PolyPhen-2: "Benign". The glycine amino acid residue is found in multiple mammalian species, which suggests that this missense change does not adversely affect protein function. In summary, the available evidence is currently insufficient to determine the role of this variant in disease. Therefore, it has been classified as a Variant of Uncertain Significance.

NM_006269.2(RP1):c.5338A>G (p.Ser1780Gly)

Genes: RP1 (RP1 axonemal microtubule associated; plus strand), LOC126860392 (CDK7 strongly-dependent group 2 enhancer GRCh37_chr8:55541319-55542518; plus strand). Cytogenetic location: 8q12.1.
Variant type: single nucleotide variant.
Coding change: c.5338A>G on transcript NM_006269.2 (MANE Select); coding-DNA position 5338, A replaced by G.
Protein change: p.Ser1780Gly; replaces serine 1780 with glycine.
Molecular consequence: missense variant. On other transcripts: intron variant (1).
Genome position (GRCh38, 1-based): chr8:54,629,220, A>G. VCF-style: chr8-54629220-A-G. GRCh37 (hg19) VCF-style: chr8-55541780-A-G.
Other names: c.787+6932A>G (NM_001375654.1); short protein forms S1780G.
Identifiers: ClinVar variation 2062810 (VCV002062810.4), dbSNP rs2536588786, ClinGen allele CA370985783.